The following is an entry in ClinVar:

NM_006265.3(RAD21):c.1538G>C (p.Cys513Ser)

Gene: RAD21 (RAD21 cohesin complex component; minus strand). Cytogenetic location: 8q24.11.
Variant type: single nucleotide variant.
Coding change: c.1538G>C on transcript NM_006265.3 (MANE Select); coding-DNA position 1538, G replaced by C.
Protein change: p.Cys513Ser; replaces cysteine 513 with serine.
Molecular consequence: missense variant.
Genome position (GRCh38, 1-based): chr8:116,850,700, C>G on the plus strand (G>C on the coding strand, the complement: RAD21 is on the minus strand). VCF-style: chr8-116850700-C-G. GRCh37 (hg19) VCF-style: chr8-117862939-C-G.
Other names: short protein forms C513S.
Identifiers: ClinVar variation 2117508 (VCV002117508.4), dbSNP rs2130456151, ClinGen allele CA371996460.

ClinVar aggregate classification (germline): Uncertain significance (1 of 4 stars; one submission).

Conditions:
Cornelia de Lange syndrome 4 (CDLS4). Also called: CORNELIA DE LANGE SYNDROME 4 WITH OR WITHOUT MIDLINE BRAIN DEFECTS; RAD21-Related Cornelia de Lange Syndrome. Identifiers: Orphanet 199, MedGen C3553517, MONDO:0013864, OMIM 614701.

Submission:

Labcorp Genetics (formerly Invitae), Labcorp
Classification: Uncertain significance for Cornelia de Lange syndrome 4. Last evaluated: 2024-04-08. Review status: criteria provided, single submitter. Criteria: Invitae Variant Classification Sherloc (09022015). Collection method: clinical testing. Allele origin: germline.
Comment: This sequence change replaces cysteine, which is neutral and slightly polar, with serine, which is neutral and polar, at codon 513 of the RAD21 protein (p.Cys513Ser). This variant is not present in population databases (gnomAD no frequency). This variant has not been reported in the literature in individuals affected with RAD21-related conditions. ClinVar contains an entry for this variant (Variation ID: 2117508). An algorithm developed to predict the effect of missense changes on protein structure and function (PolyPhen-2) suggests that this variant is likely to be tolerated. In summary, the available evidence is currently insufficient to determine the role of this variant in disease. Therefore, it has been classified as a Variant of Uncertain Significance.